The following is an entry in ClinVar:

ClinVar aggregate classification (germline): Uncertain significance. Review status: criteria provided, single submitter (1 of 4 stars). 2 submissions from 2 submitters: Uncertain significance (1). 1 of the submissions does not count toward it. Last evaluated 2023-04-03.

Conditions:
Hypertrophic cardiomyopathy. Also called: HYPERTROPHIC MYOCARDIOPATHY. Identifiers: Orphanet 217569, MedGen C0007194, MeSH D002312, MONDO:0005045, HP:0001639.
Cardiomyopathy (CMYO). Also called: Cardiomyopathies. Identifiers: Orphanet 167848, MedGen C0878544, MONDO:0004994, HP:0001638. Inheritance: Various modes of inheritance.

Submissions (2):

All of Us Research Program, National Institutes of Health
Classification: Uncertain significance for Cardiomyopathy. Last evaluated: 2023-04-03. Review status: criteria provided, single submitter. Criteria: ACMG Guidelines, 2015. Collection method: clinical testing. Allele origin: germline. Inheritance: Autosomal dominant inheritance. Observed: 1 variant allele, 1 heterozygote.
Comment: This missense variant replaces histidine with glutamine at codon 1185 of the MYH7 protein. Computational prediction is inconclusive regarding the impact of this variant on protein structure and function (internally defined REVEL score threshold 0.5 < inconclusive < 0.7, PMID: 27666373). To our knowledge, functional studies have not been reported for this variant. This variant has not been reported in individuals affected with MYH7-related disorders in the literature. This variant has not been identified in the general population by the Genome Aggregation Database (gnomAD). The available evidence is insufficient to determine the role of this variant in disease conclusively. Therefore, this variant is classified as a Variant of Uncertain Significance.

This study involves interpretation of variants in research participants for the purpose of population health screening. Participant phenotype was not available at the time of variant classification. Additional details can be found in publication PMID: 35346344, PMCID: PMC8962531

Zaffran Lab, Genetics of Cardiac Diseases Laboratory, Marseille Medical Genetics
Classification: Uncertain significance for hypertrophic cardiomyopathy. Review status: no assertion criteria provided. Collection method: research. Allele origin: unknown. Affected: yes. Not counted in ClinVar's aggregate classification.

NM_000257.4(MYH7):c.3555C>G (p.His1185Gln)

Gene: MYH7 (myosin heavy chain 7; minus strand). Cytogenetic location: 14q11.2.
Variant type: single nucleotide variant.
Coding change: c.3555C>G on transcript NM_000257.4 (MANE Select); coding-DNA position 3555, C replaced by G.
Protein change: p.His1185Gln; replaces histidine 1185 with glutamine.
Molecular consequence: missense variant.
Genome position (GRCh38, 1-based): chr14:23,420,016, G>C on the plus strand (C>G on the coding strand, the complement: MYH7 is on the minus strand). VCF-style: chr14-23420016-G-C. GRCh37 (hg19) VCF-style: chr14-23889225-G-C.
Other names: c.3555C>G, p.His1185Gln (NM_001407004.1); short protein forms H1185Q.
Identifiers: ClinVar variation 3070067 (VCV003070067.2), dbSNP rs1387218063, ClinGen allele CA389043495.